The following is an entry in ClinVar:

ClinVar aggregate classification (germline): Uncertain significance (1 of 4 stars; one submission).

gnomAD v4.1: 1 of 1,614,110 alleles (0.000062%); highest among the groups gnomAD compares: African/African-American, 0.0013%; no homozygotes.

Submission:

Labcorp Genetics (formerly Invitae), Labcorp
Classification: Uncertain significance. Last evaluated: 2022-10-13. Review status: criteria provided, single submitter. Criteria: Invitae Variant Classification Sherloc (09022015). Collection method: clinical testing. Allele origin: germline.
Comment: In summary, the available evidence is currently insufficient to determine the role of this variant in disease. Therefore, it has been classified as a Variant of Uncertain Significance. Advanced modeling of protein sequence and biophysical properties (such as structural, functional, and spatial information, amino acid conservation, physicochemical variation, residue mobility, and thermodynamic stability) performed at Invitae indicates that this missense variant is not expected to disrupt ARSG protein function. ClinVar contains an entry for this variant (Variation ID: 1485782). This variant has not been reported in the literature in individuals affected with ARSG-related conditions. This variant is not present in population databases (gnomAD no frequency). This sequence change replaces valine, which is neutral and non-polar, with leucine, which is neutral and non-polar, at codon 391 of the ARSG protein (p.Val391Leu).

NM_001267727.2(ARSG):c.1171G>C (p.Val391Leu)

Gene: ARSG (arylsulfatase G; plus strand). Cytogenetic location: 17q24.2.
Variant type: single nucleotide variant.
Coding change: c.1171G>C on transcript NM_001267727.2 (MANE Select); coding-DNA position 1171, G replaced by C.
Protein change: p.Val391Leu; replaces valine 391 with leucine.
Molecular consequence: missense variant.
Genome position (GRCh38, 1-based): chr17:68,395,152, G>C. VCF-style: chr17-68395152-G-C. GRCh37 (hg19) VCF-style: chr17-66391293-G-C.
Other names: c.1171G>C, p.Val391Leu (NM_001352899.2, NM_001352900.2, NM_001352901.2 and 3 more transcripts); c.1168G>C, p.Val390Leu (NM_001352903.2, NM_001352904.2, NM_001352905.2 and 2 more transcripts); c.1123G>C, p.Val375Leu (NM_001352909.2); short protein forms V375L, V390L, V391L.
Identifiers: ClinVar variation 1485782 (VCV001485782.8), dbSNP rs752293584, ClinGen allele CA400747191.